The following is an entry in ClinVar:

NM_001164508.2(NEB):c.11266G>C (p.Ala3756Pro)

Gene: NEB (nebulin; minus strand). Cytogenetic location: 2q23.3.
Variant type: single nucleotide variant.
Coding change: c.11266G>C on transcript NM_001164508.2 (MANE Select); coding-DNA position 11266, G replaced by C.
Protein change: p.Ala3756Pro; replaces alanine 3756 with proline.
Molecular consequence: missense variant.
Genome position (GRCh38, 1-based): chr2:151,616,025, C>G on the plus strand (G>C on the coding strand, the complement: NEB is on the minus strand). VCF-style: chr2-151616025-C-G. GRCh37 (hg19) VCF-style: chr2-152472539-C-G.
Other names: c.11266G>C, p.Ala3756Pro (NM_001164507.2, NM_001271208.2); c.10537G>C, p.Ala3513Pro (NM_004543.5); short protein forms A3513P, A3756P.
Identifiers: ClinVar variation 1313821 (VCV001313821.2), dbSNP rs1232186045, ClinGen allele CA348783753.

ClinVar aggregate classification (germline): Uncertain significance (1 of 4 stars; one submission).

Submission:

GeneDx
Classification: Uncertain significance. Last evaluated: 2021-01-04. Review status: criteria provided, single submitter. Criteria: GeneDx Variant Classification Process June 2021. Collection method: clinical testing. Allele origin: germline. Affected: yes.
Comment: Not observed in large population cohorts (Lek et al., 2016); In silico analysis supports that this missense variant does not alter protein structure/function; Has not been previously published as pathogenic or benign to our knowledge